The following is an entry in ClinVar:

NM_001367721.1(CASK):c.1108T>A (p.Phe370Ile)

Gene: CASK (calcium/calmodulin dependent serine protein kinase; minus strand). Cytogenetic location: Xp11.4.
Variant type: single nucleotide variant.
Coding change: c.1108T>A on transcript NM_001367721.1 (MANE Select); coding-DNA position 1108, T replaced by A.
Protein change: p.Phe370Ile; replaces phenylalanine 370 with isoleucine.
Molecular consequence: missense variant.
Genome position (GRCh38, 1-based): chrX:41,609,951, A>T on the plus strand (T>A on the coding strand, the complement: CASK is on the minus strand). VCF-style: chrX-41609951-A-T. GRCh37 (hg19) VCF-style: chrX-41469204-A-T.
Other names: c.1108T>A, p.Phe370Ile (NM_001126054.3, NM_003688.4); c.1090T>A, p.Phe364Ile (NM_001126055.3, NM_001410745.1); short protein forms F370I, F364I.
Identifiers: ClinVar variation 1515651 (VCV001515651.8), dbSNP rs2147279219, ClinGen allele CA412999636.

ClinVar aggregate classification (germline): Uncertain significance (1 of 4 stars; one submission).

Conditions:
Intellectual disability, CASK-related, X-linked. Identifiers: MedGen CN043158.

Submission:

Labcorp Genetics (formerly Invitae), Labcorp
Classification: Uncertain significance for Intellectual disability, CASK-related, X-linked. Last evaluated: 2024-02-24. Review status: criteria provided, single submitter. Criteria: Invitae Variant Classification Sherloc (09022015). Collection method: clinical testing. Allele origin: germline.
Comment: This sequence change replaces phenylalanine, which is neutral and non-polar, with isoleucine, which is neutral and non-polar, at codon 370 of the CASK protein (p.Phe370Ile). This variant is not present in population databases (gnomAD no frequency). This variant has not been reported in the literature in individuals affected with CASK-related conditions. ClinVar contains an entry for this variant (Variation ID: 1515651). Advanced modeling of protein sequence and biophysical properties (such as structural, functional, and spatial information, amino acid conservation, physicochemical variation, residue mobility, and thermodynamic stability) has been performed at Invitae for this missense variant, however the output from this modeling did not meet the statistical confidence thresholds required to predict the impact of this variant on CASK protein function. In summary, the available evidence is currently insufficient to determine the role of this variant in disease. Therefore, it has been classified as a Variant of Uncertain Significance.